The following is an entry in ClinVar:

ClinVar aggregate classification (germline): Uncertain significance (1 of 4 stars; one submission).

Allele frequency attached by ClinVar (database versions not stated): TOPMed 0.00004; ExAC 0.00005; gnomAD exomes 0.00007.
gnomAD v4.1: 19 of 1,610,764 alleles (0.0012%); highest among the groups gnomAD compares: Admixed American, 0.032%; no homozygotes.

Submission:

Labcorp Genetics (formerly Invitae), Labcorp
Classification: Uncertain significance. Last evaluated: 2021-08-31. Review status: criteria provided, single submitter. Criteria: Invitae Variant Classification Sherloc (09022015). Collection method: clinical testing. Allele origin: germline.
Comment: This sequence change replaces leucine with valine at codon 11 of the IFNAR1 protein (p.Leu11Val). The leucine residue is moderately conserved and there is a small physicochemical difference between leucine and valine. This variant is present in population databases (rs759467737, ExAC 0.06%). This variant has not been reported in the literature in individuals affected with IFNAR1-related conditions. Algorithms developed to predict the effect of missense changes on protein structure and function are either unavailable or do not agree on the potential impact of this missense change (SIFT: "Tolerated"; PolyPhen-2: "Possibly Damaging"; Align-GVGD: "Class C0"). In summary, the available evidence is currently insufficient to determine the role of this variant in disease. Therefore, it has been classified as a Variant of Uncertain Significance.

NM_000629.3(IFNAR1):c.31C>G (p.Leu11Val)

Genes: IFNAR1 (interferon alpha and beta receptor subunit 1; plus strand), LOC119230225 (IFNAR1 promoter region; plus strand). Cytogenetic location: 21q22.11.
Variant type: single nucleotide variant.
Coding change: c.31C>G on transcript NM_000629.3 (MANE Select); coding-DNA position 31, C replaced by G.
Protein change: p.Leu11Val; replaces leucine 11 with valine.
Molecular consequence: missense variant. On other transcripts: 5 prime UTR variant (2), intron variant (1).
Genome position (GRCh38, 1-based): chr21:33,325,086, C>G. VCF-style: chr21-33325086-C-G. GRCh37 (hg19) VCF-style: chr21-34697391-C-G.
Other names: c.31C>G, p.Leu11Val (NM_001384498.1, NM_001384499.1, NM_001384501.1 and 1 more transcripts); c.-756C>G (NM_001384500.1); c.-353C>G (NM_001384502.1); c.-132+448C>G (NM_001384504.1); short protein forms L11V.
Identifiers: ClinVar variation 1431666 (VCV001431666.5), dbSNP rs759467737, ClinGen allele CA10006352.